The following is an entry in ClinVar:

NM_006236.3(POU3F3):c.1240_1243del (p.Ile413_Glu414insTer)

Gene: POU3F3 (POU class 3 homeobox 3; plus strand). Cytogenetic location: 2q12.1.
Variant type: Deletion.
Coding change: c.1240_1243del on transcript NM_006236.3 (MANE Select); coding-DNA positions 1240 to 1243, 4 bases deleted (GAGG; older notation c.1240_1243delGAGG).
Protein change: p.Ile413_Glu414insTer.
Molecular consequence: nonsense.
Genome position (GRCh38, 1-based): chr2:104,856,750-104,856,753, GAGG deleted. VCF-style (leftmost placement, unchanged base first): chr2-104856749-CGAGG-C. GRCh37 (hg19) VCF-style: chr2-105473207-CGAGG-C.
Identifiers: ClinVar variation 3216927 (VCV003216927.1), dbSNP rs2466876822, ClinGen allele CA2825000989.

ClinVar aggregate classification (germline): Pathogenic (1 of 4 stars; one submission).

Conditions:
Inborn genetic diseases. Identifiers: MedGen C0950123, MeSH D030342.

Submission:

Ambry Genetics
Classification: Pathogenic for Inborn genetic diseases. Last evaluated: 2023-10-19. Review status: criteria provided, single submitter. Criteria: Ambry Variant Classification Scheme 2023. Collection method: clinical testing. Allele origin: germline.
Comment: The c.1240_1243delGAGG (p.E414*) alteration, located in exon 1 (coding exon 1) of the POU3F3 gene, consists of a deletion of 4 nucleotides from position 1240 to 1243. This changes the amino acid from a glutamic acid to a stop codon at amino acid 414. This alteration is expected to result in loss of function by premature protein truncation or nonsense-mediated mRNA decay. This variant was not reported in population-based cohorts in the Genome Aggregation Database (gnomAD). This variant has been determined to be the result of a de novo mutation in one individual with features consistent with POU3F3-related neurodevelopmental disorder (Snijders Blok, 2019). Based on the available evidence, this alteration is classified as pathogenic.

Literature cited by the submitters: PubMed 31303265.